The following is an entry in ClinVar:

ClinVar aggregate classification (germline): Pathogenic (0 of 4 stars; one submission).

Conditions:
Neuroblastoma, susceptibility to, 3. Also called: ALK-Related Neuroblastic Tumor Susceptibility. Identifiers: Orphanet 635, MedGen C2751681, MONDO:0013083, OMIM 613014.

Submission:

Genomic Diagnostic Laboratory, Division of Genomic Diagnostics, Children's Hospital of Philadelphia
Classification: Pathogenic for Neuroblastoma, susceptibility to, 3. Last evaluated: 2015-10-07. Review status: no assertion criteria provided. Collection method: clinical testing. Allele origin: somatic. Affected: yes. Observed: 15 variant alleles.
Comment: Clinical Testing

NM_004304.5(ALK):c.3522C>A (p.Phe1174Leu)

Gene: ALK (ALK receptor tyrosine kinase; minus strand). Cytogenetic location: 2p23.2.
Variant type: single nucleotide variant.
Coding change: c.3522C>A on transcript NM_004304.5 (MANE Select); coding-DNA position 3522, C replaced by A.
Protein change: p.Phe1174Leu; replaces phenylalanine 1174 with leucine.
Molecular consequence: missense variant.
Genome position (GRCh38, 1-based): chr2:29,220,829, G>T on the plus strand (C>A on the coding strand, the complement: ALK is on the minus strand). VCF-style: chr2-29220829-G-T. GRCh37 (hg19) VCF-style: chr2-29443695-G-T.
Other names: c.318C>A, p.Phe106Leu (NM_001353765.2); short protein forms F1174L, F106L.
Identifiers: ClinVar variation 217851 (VCV000217851.1), dbSNP rs863225281, ClinGen allele CA279586.